The following is an entry in ClinVar:

NM_173842.3(IL1RN):c.365G>C (p.Arg122Pro)

Gene: IL1RN (interleukin 1 receptor antagonist; plus strand). Cytogenetic location: 2q14.1.
Variant type: single nucleotide variant.
Coding change: c.365G>C on transcript NM_173842.3 (MANE Select); coding-DNA position 365, G replaced by C.
Protein change: p.Arg122Pro; replaces arginine 122 with proline.
Molecular consequence: missense variant.
Genome position (GRCh38, 1-based): chr2:113,132,702, G>C. VCF-style: chr2-113132702-G-C. GRCh37 (hg19) VCF-style: chr2-113890279-G-C.
Other names: p.Arg125Pro; c.311G>C, p.Arg104Pro (NM_000577.5); c.263G>C, p.Arg88Pro (NM_001318914.2, NM_001379360.1, NM_173843.3); c.374G>C, p.Arg125Pro (NM_173841.3); short protein forms R122P, R125P, R88P, R104P.
Identifiers: ClinVar variation 4540660 (VCV004540660.1).

ClinVar aggregate classification (germline): Uncertain significance (1 of 4 stars; one submission).

Submission:

Mayo Clinic Laboratories, Mayo Clinic
Classification: Uncertain significance. Last evaluated: 2025-11-06. Review status: criteria provided, single submitter. Criteria: ACMG Guidelines, 2015. Collection method: clinical testing. Allele origin: germline. Observed: 1 variant allele.
Comment: PM2_supporting